The following is an entry in ClinVar:

NM_012233.3(RAB3GAP1):c.144C>T (p.Leu48=)

Gene: RAB3GAP1 (RAB3 GTPase activating protein catalytic subunit 1; plus strand). Cytogenetic location: 2q21.3.
Variant type: single nucleotide variant.
Coding change: c.144C>T on transcript NM_012233.3 (MANE Select); coding-DNA position 144, C replaced by T.
Protein change: p.Leu48=; no amino-acid change (leucine 48 retained).
Molecular consequence: synonymous variant.
Genome position (GRCh38, 1-based): chr2:135,058,080, C>T. VCF-style: chr2-135058080-C-T. GRCh37 (hg19) VCF-style: chr2-135815650-C-T.
Other names: c.144C>T, p.Leu48= (NM_001172435.2).
Identifiers: ClinVar variation 668582 (VCV000668582.5), dbSNP rs568229019, ClinGen allele CA1884430.

ClinVar aggregate classification (germline): Likely benign. Review status: criteria provided, multiple submitters, no conflicts (2 of 4 stars). 2 submissions from 2 submitters: Likely benign (2). Last evaluated 2024-10-24.

Allele frequency attached by ClinVar (database versions not stated): gnomAD 0.00004 and 0.00005; gnomAD exomes 0.00006; TOPMed 0.00006; ExAC 0.00008.
gnomAD v4.1: 102 of 1,608,766 alleles (0.0063%); highest among the groups gnomAD compares: Middle Eastern, 0.033%; 1 homozygote.

Submissions (2):

Labcorp Genetics (formerly Invitae), Labcorp
Classification: Likely benign. Last evaluated: 2024-10-24. Review status: criteria provided, single submitter. Criteria: Invitae Variant Classification Sherloc (09022015). Collection method: clinical testing. Allele origin: germline.

GeneDx
Classification: Likely benign. Last evaluated: 2018-05-23. Review status: criteria provided, single submitter. Criteria: GeneDx Variant Classification (06012015). Collection method: clinical testing. Allele origin: germline. Affected: yes.
Comment: This variant is considered likely benign or benign based on one or more of the following criteria: it is a conservative change, it occurs at a poorly conserved position in the protein, it is predicted to be benign by multiple in silico algorithms, and/or has population frequency not consistent with disease.